The following is an entry in ClinVar:

NM_000038.6(APC):c.2803del (p.Tyr935fs)

Gene: APC (APC regulator of Wnt signaling pathway; plus strand). Cytogenetic location: 5q22.2.
Variant type: Deletion.
Coding change: c.2803del on transcript NM_000038.6 (MANE Select); coding-DNA position 2803, one base deleted (T; older notation c.2803delT).
Protein change: p.Tyr935fs; shifts the reading frame from tyrosine 935.
Molecular consequence: frameshift variant.
Genome position (GRCh38, 1-based): chr5:112,838,397, T deleted; the last of 2 consecutive T bases (chr5:112,838,396-112,838,397); deleting either gives the same sequence. VCF-style (leftmost placement, unchanged base first): chr5-112838395-CT-C. GRCh37 (hg19) VCF-style: chr5-112174092-CT-C.
Other names: c.2803delT (NM_000038.6); c.2803del, p.Tyr935fs (NM_001127510.3, NM_001354895.2); c.2749del, p.Tyr917fs (NM_001127511.3); c.2857del, p.Tyr953fs (NM_001354896.2); c.2833del, p.Tyr945fs (NM_001354897.2); c.2728del, p.Tyr910fs (NM_001354898.2); c.2719del, p.Tyr907fs (NM_001354899.2); c.2680del, p.Tyr894fs (NM_001354900.2); and 17 more; short protein forms Y809fs, Y844fs, Y910fs, Y652fs, Y834fs, Y894fs, Y935fs, Y876fs.
Identifiers: ClinVar variation 2088420 (VCV002088420.5), dbSNP rs2533450703, ClinGen allele CA445962899.
Genomic context (GRCh38, chr5:112,838,395, plus strand): 5'-GTGTGACAGATGAGAGAAATGCACTTAGAAGAAGCTCTGCTGCCCATACACATTCAAACA[CT>C]TACAATTTCACTAAGTCGGAAAATTCAAATAGGACATGTTCTATGCCTTATGCCAAATTA-3'

ClinVar aggregate classification (germline): Pathogenic (1 of 4 stars; one submission).
ClinVar aggregate classification (somatic clinical impact): Tier II - Potential (0 of 4 stars; one submission).

Conditions:
Familial adenomatous polyposis 1 (FAP1). Also called: POLYPOSIS, ADENOMATOUS INTESTINAL; FAMILIAL ADENOMATOUS POLYPOSIS 1, ATTENUATED. Identifiers: MedGen C2713442, MONDO:0021056, OMIM 175100. Disease mechanism: loss of function.
Colorectal cancer. Also called: Malignant Colorectal Neoplasm; Colorectal cancer, somatic. Identifiers: MedGen C0346629, MONDO:0005575, OMIM 114500.

Submissions (2):

Labcorp Genetics (formerly Invitae), Labcorp
Classification: Pathogenic for Familial adenomatous polyposis 1. Last evaluated: 2022-01-21. Review status: criteria provided, single submitter. Criteria: Invitae Variant Classification Sherloc (09022015). Collection method: clinical testing. Allele origin: germline.
Comment: This sequence change creates a premature translational stop signal (p.Tyr935Thrfs*20) in the APC gene. While this is not anticipated to result in nonsense mediated decay, it is expected to disrupt the last 1909 amino acid(s) of the APC protein. This variant is not present in population databases (gnomAD no frequency). This variant has not been reported in the literature in individuals affected with APC-related conditions. This variant is expected to disrupt the EB1 and HDLG binding sites, which mediate interactions with the cytoskeleton (PMID: 15311282, 17293347). While functional studies have not been performed to directly test the effect on APC protein function, this suggests that disruption of the C-terminal portion of the protein is functionally important. A different truncation (p.Tyr2645Lysfs*14) that lies downstream of this variant has been determined to be pathogenic (PMID: 9824584, 1316610, 27081525, 8381579, 22135120, Invitae). This suggests that deletion of this region of the APC protein is causative of disease. For these reasons, this variant has been classified as Pathogenic.

Department of Clinical Biochemistry, Naestved Hospital
Classification: Tier II - Potential for Colorectal cancer. Assertion type: prognostic. Clinical significance: better outcome. Last evaluated: 2024-10-10. Review status: no assertion criteria provided. Collection method: research. Allele origin: somatic.
Comment: Frame shift deletion. Likely loss of function

Literature cited by the submitters: PubMed 15311282 (cited by Labcorp Genetics (formerly Invitae), Labcorp); PubMed 17293347 (cited by Labcorp Genetics (formerly Invitae), Labcorp); PubMed 9824584 (cited by Labcorp Genetics (formerly Invitae), Labcorp); PubMed 1316610 (cited by Labcorp Genetics (formerly Invitae), Labcorp); PubMed 27081525 (cited by Labcorp Genetics (formerly Invitae), Labcorp); PubMed 8381579 (cited by Labcorp Genetics (formerly Invitae), Labcorp); PubMed 22135120 (cited by Labcorp Genetics (formerly Invitae), Labcorp).